The following is an entry in ClinVar:

ClinVar aggregate classification (germline): Likely pathogenic (1 of 4 stars; one submission).

Conditions:
Cornelia de Lange syndrome 3 (CDLS3). Also called: SMC3-Related Cornelia de Lange Syndrome; CORNELIA DE LANGE SYNDROME 3 WITH OR WITHOUT MIDLINE BRAIN DEFECTS. Identifiers: Orphanet 199, MedGen C1853099, MONDO:0012555, OMIM 610759.

Submission:

Labcorp Genetics (formerly Invitae), Labcorp
Classification: Likely pathogenic for Cornelia de Lange syndrome 3. Last evaluated: 2025-03-20. Review status: criteria provided, single submitter. Criteria: Invitae Variant Classification Sherloc (09022015). Collection method: clinical testing. Allele origin: germline.
Comment: This sequence change replaces proline, which is neutral and non-polar, with arginine, which is basic and polar, at codon 755 of the SMC3 protein (p.Pro755Arg). This variant is not present in population databases (gnomAD no frequency). This missense change has been observed in individual(s) with clinical features of SMC3-related conditions (internal data). In at least one individual the variant was observed to be de novo. Invitae Evidence Modeling of protein sequence and biophysical properties (such as structural, functional, and spatial information, amino acid conservation, physicochemical variation, residue mobility, and thermodynamic stability) has been performed for this missense variant. However, the output from this modeling did not meet the statistical confidence thresholds required to predict the impact of this variant on SMC3 protein function. In summary, the currently available evidence indicates that the variant is pathogenic, but additional data are needed to prove that conclusively. Therefore, this variant has been classified as Likely Pathogenic.

NM_005445.4(SMC3):c.2264C>G (p.Pro755Arg)

Gene: SMC3 (structural maintenance of chromosomes 3; plus strand). Cytogenetic location: 10q25.2.
Variant type: single nucleotide variant.
Coding change: c.2264C>G on transcript NM_005445.4 (MANE Select); coding-DNA position 2264, C replaced by G.
Protein change: p.Pro755Arg; replaces proline 755 with arginine.
Molecular consequence: missense variant.
Genome position (GRCh38, 1-based): chr10:110,598,286, C>G. VCF-style: chr10-110598286-C-G. GRCh37 (hg19) VCF-style: chr10-112358044-C-G.
Other names: short protein forms P755R.
Identifiers: ClinVar variation 3661925 (VCV003661925.2).